The following is an entry in ClinVar:

NM_002439.5(MSH3):c.2334C>A (p.Ser778Arg)

Gene: MSH3 (mutS homolog 3; plus strand). Cytogenetic location: 5q14.1.
Variant type: single nucleotide variant.
Coding change: c.2334C>A on transcript NM_002439.5 (MANE Select); coding-DNA position 2334, C replaced by A.
Protein change: p.Ser778Arg; replaces serine 778 with arginine.
Molecular consequence: missense variant.
Genome position (GRCh38, 1-based): chr5:80,778,735, C>A. VCF-style: chr5-80778735-C-A. GRCh37 (hg19) VCF-style: chr5-80074554-C-A.
Other names: short protein forms S778R.
Identifiers: ClinVar variation 3398768 (VCV003398768.1).

ClinVar aggregate classification (germline): Uncertain significance (1 of 4 stars; one submission).

Conditions:
Hereditary cancer-predisposing syndrome. Also called: Hereditary Cancer Syndrome; Tumor predisposition; Hereditary neoplastic syndrome; Neoplastic Syndromes, Hereditary. Identifiers: Orphanet 140162, MedGen C0027672, MeSH D009386, MONDO:0015356.

Submission:

Ambry Genetics
Classification: Uncertain significance for Hereditary cancer-predisposing syndrome. Last evaluated: 2024-11-16. Review status: criteria provided, single submitter. Criteria: Ambry Variant Classification Scheme 2023. Collection method: clinical testing. Allele origin: germline.
Comment: The p.S778R variant (also known as c.2334C>A), located in coding exon 17 of the MSH3 gene, results from a C to A substitution at nucleotide position 2334. The serine at codon 778 is replaced by arginine, an amino acid with dissimilar properties. This amino acid position is conserved. In addition, the in silico prediction for this alteration is inconclusive. Based on the available evidence, the clinical significance of this variant remains unclear.